The following is an entry in ClinVar:

NM_020975.6(RET):c.1044_1051dup (p.Val351fs)

Gene: RET (ret proto-oncogene; plus strand). Cytogenetic location: 10q11.21.
Variant type: Duplication.
Coding change: c.1044_1051dup on transcript NM_020975.6 (MANE Select); coding-DNA positions 1044 to 1051, 8 bases duplicated (GGCGACCG; older notation c.1044_1051dupGGCGACCG).
Protein change: p.Val351fs; shifts the reading frame from valine 351.
Molecular consequence: frameshift variant.
Genome position (GRCh38, 1-based): chr10:43,106,552-43,106,559, GGCGACCG duplicated; duplicating any 8 consecutive bases within chr10:43,106,550-43,106,559 gives the same sequence; the c. name uses the placement nearest the transcript's 3' end. VCF-style (leftmost placement, unchanged base first): chr10-43106549-G-GCGGGCGAC. GRCh37 (hg19) VCF-style: chr10-43601997-G-GCGGGCGAC.
Other names: c.1044_1051dup, p.Val351Glyfs (NM_000323.2, NM_001406743.1, NM_001406744.1 and 6 more transcripts); c.282_289dup, p.Val97Glyfs (NM_001355216.2); c.915_922dup, p.Val308Glyfs (NM_001406761.1, NM_001406762.1, NM_001406764.1 and 1 more transcripts); c.756_763dup, p.Val255Glyfs (NM_001406766.1, NM_001406767.1, NM_001406770.1); short protein forms V351fs, V97fs.
Identifiers: ClinVar variation 2123266 (VCV002123266.4), dbSNP rs2538405579, ClinGen allele CA2580081469.
Genomic context (GRCh38, chr10:43,106,549, plus strand): 5'-GACCTTCCGGGTGGAACACTGGCCCAACGAGACCTCGGTCCAGGCCAACGGCAGCTTCGT[G>GCGGGCGAC]CGGGCGACCGTACATGACTATAGTAAGAGGGGCTGGTGGCACGGCCTGGCTAGGCCCCCA-3'

ClinVar aggregate classification (germline): Pathogenic (1 of 4 stars; one submission).

Conditions:
Multiple endocrine neoplasia, type 2 (MEN2). Identifiers: Orphanet 653, MedGen C4048306, MONDO:0019003. Disease mechanism: gain of function.

Submission:

Labcorp Genetics (formerly Invitae), Labcorp
Classification: Pathogenic for Multiple endocrine neoplasia, type 2. Last evaluated: 2024-04-10. Review status: criteria provided, single submitter. Criteria: Invitae Variant Classification Sherloc (09022015). Collection method: clinical testing. Allele origin: germline.
Comment: This sequence change creates a premature translational stop signal (p.Val351Glyfs*65) in the RET gene. It is expected to result in an absent or disrupted protein product. Loss-of-function variants in RET are known to be pathogenic (PMID: 22174939, 22648184). This variant is not present in population databases (gnomAD no frequency). This variant has not been reported in the literature in individuals affected with RET-related conditions. ClinVar contains an entry for this variant (Variation ID: 2123266). For these reasons, this variant has been classified as Pathogenic.

Literature cited by the submitters: PubMed 22174939; PubMed 22648184.